The following is an entry in ClinVar:

NM_000038.6(APC):c.3883_3886del (p.Glu1295fs)

Gene: APC (APC regulator of Wnt signaling pathway; plus strand). Cytogenetic location: 5q22.2.
Variant type: Deletion.
Coding change: c.3883_3886del on transcript NM_000038.6 (MANE Select); coding-DNA positions 3883 to 3886, 4 bases deleted (GAAG; older notation c.3883_3886delGAAG).
Protein change: p.Glu1295fs; shifts the reading frame from glutamic acid 1295.
Molecular consequence: frameshift variant.
Genome position (GRCh38, 1-based): chr5:112,839,477-112,839,480, GAAG deleted; deleting any 4 consecutive bases within chr5:112,839,475-112,839,480 gives the same sequence; the c. name uses the placement nearest the transcript's 3' end. VCF-style (leftmost placement, unchanged base first): chr5-112839474-CAGGA-C. GRCh37 (hg19) VCF-style: chr5-112175171-CAGGA-C.
Other names: c.3883_3886del, p.Glu1295fs (NM_001127510.3, NM_001354895.2); c.3829_3832del, p.Glu1277fs (NM_001127511.3); c.3937_3940del, p.Glu1313fs (NM_001354896.2); c.3913_3916del, p.Glu1305fs (NM_001354897.2); c.3808_3811del, p.Glu1270fs (NM_001354898.2); c.3799_3802del, p.Glu1267fs (NM_001354899.2); c.3760_3763del, p.Glu1254fs (NM_001354900.2); c.3706_3709del, p.Glu1236fs (NM_001354901.2); and 17 more; short protein forms E1012fs, E1267fs, E1313fs, E1194fs, E1204fs, E1254fs, E1305fs, E1135fs.
Identifiers: ClinVar variation 1735824 (VCV001735824.6), dbSNP rs2533531429, ClinGen allele CA2580072310.

ClinVar aggregate classification (germline): Pathogenic. Review status: criteria provided, multiple submitters, no conflicts (2 of 4 stars). 3 submissions from 3 submitters: Pathogenic (3). Last evaluated 2026-08-21.

Conditions:
Hereditary cancer-predisposing syndrome. Also called: Hereditary Cancer Syndrome; Hereditary neoplastic syndrome; Neoplastic Syndromes, Hereditary; Tumor predisposition. Identifiers: Orphanet 140162, MedGen C0027672, MeSH D009386, MONDO:0015356.
Familial adenomatous polyposis 1 (FAP1). Also called: FAMILIAL ADENOMATOUS POLYPOSIS 1, ATTENUATED; POLYPOSIS, ADENOMATOUS INTESTINAL. Identifiers: MedGen C2713442, MONDO:0021056, OMIM 175100. Disease mechanism: loss of function.
Familial multiple polyposis syndrome (FAP). Also called: Familial adenomatous polyposis; Familial intestinal polyposis; Classic familial adenomatous polyposis; Familial polyposis; Familial Adenomatous Polyposis (FAP). Identifiers: Orphanet 733, MedGen C0032580, MONDO:0021055. Disease mechanism: loss of function.

Submissions (3):

Ambry Genetics
Classification: Pathogenic for Hereditary cancer-predisposing syndrome. Last evaluated: 2026-08-21. Review status: criteria provided, single submitter. Criteria: Ambry Variant Classification Scheme 2023. Collection method: clinical testing. Allele origin: germline.
Comment: The c.3883_3886delGAAG pathogenic mutation, located in coding exon 15 of the APC gene, results from a deletion of 4 nucleotides at nucleotide positions 3883 to 3886, causing a translational frameshift with a predicted alternate stop codon (p.E1295Qfs*9). This variant occurs at the 3' terminus of the gene, is not expected to trigger nonsense-mediated mRNA decay, and impacts the last 54% of the protein. However, premature stop codons are typically deleterious in nature, and a significant portion of the protein is affected (Ambry internal data). This variant was reported in individual(s) with features consistent with APC-related familial adenomatous polyposis (Ambry internal data). This variant is considered to be rare based on population cohorts in the Genome Aggregation Database (gnomAD). Based on the supporting evidence, this variant is interpreted as a disease-causing mutation.

Women's Health and Genetics/Laboratory Corporation of America, LabCorp
Classification: Pathogenic for Familial multiple polyposis syndrome. Last evaluated: 2024-12-16. Review status: criteria provided, single submitter. Criteria: LabCorp Variant Classification Summary - May 2015. Collection method: clinical testing. Allele origin: germline.
Comment: Variant summary: APC c.3883_3886delGAAG (p.Glu1295GlnfsX9) results in a premature termination codon, predicted to cause a truncation of the encoded protein but is not expected to undergo nonsense mediated decay. Several downstream pathogenic truncations (examples: p.Lys2193SerfsX3, p.Glu1712AsnfsX32, p.Asp1512X) have been reported by our laboratory and in ClinVar. The variant was absent in 250884 control chromosomes (gnomAD). c.3883_3886delGAAG has been reported in the literature in at least an individual affected with APC-related condition (example: Chi_2024). The following publications have been ascertained in the context of this evaluation (PMID: 38185290, 37039257). ClinVar contains an entry for this variant (Variation ID: 1735824). Based on the evidence outlined above, the variant was classified as pathogenic.

Myriad Genetics, Inc.
Classification: Pathogenic for Familial adenomatous polyposis 1. Last evaluated: 2023-05-09. Review status: criteria provided, single submitter. Criteria: Myriad Autosomal Dominant, Autosomal Recessive and X-Linked Classification Criteria (2023). Collection method: clinical testing. Allele origin: unknown.
Comment: This variant is considered pathogenic. This variant creates a frameshift predicted to result in premature protein truncation.

Literature cited by the submitters: PubMed 38185290 (cited by Women's Health and Genetics/Laboratory Corporation of America, LabCorp); PubMed 37039257 (cited by Women's Health and Genetics/Laboratory Corporation of America, LabCorp).